The following is an entry in ClinVar:

ClinVar aggregate classification (germline): Uncertain significance (1 of 4 stars; one submission).

Conditions:
Mucopolysaccharidosis, MPS-II (MPS2). Also called: IDURONATE 2-SULFATASE DEFICIENCY; Mucopolysaccharidosis Type II; Attenuated MPS (subtype; formerly known as mild MPS II); Severe MPS II; I2S deficiency; MPS 2. Identifiers: Orphanet 580, Orphanet 79388, MedGen C0026705, MONDO:0010674, OMIM 309900.

Allele frequency attached by ClinVar (database versions not stated): gnomAD exomes below 0.00001.

Submission:

Labcorp Genetics (formerly Invitae), Labcorp
Classification: Uncertain significance for Mucopolysaccharidosis, MPS-II. Last evaluated: 2021-10-12. Review status: criteria provided, single submitter. Criteria: Invitae Variant Classification Sherloc (09022015). Collection method: clinical testing. Allele origin: germline.
Comment: This sequence change falls in intron 2 of the IDS gene. It does not directly change the encoded amino acid sequence of the IDS protein. It affects a nucleotide within the consensus splice site. This variant is not present in population databases (ExAC no frequency). This variant has not been reported in the literature in individuals affected with IDS-related conditions. Variants that disrupt the consensus splice site are a relatively common cause of aberrant splicing (PMID: 17576681, 9536098). Algorithms developed to predict the effect of sequence changes on RNA splicing suggest that this variant may disrupt the consensus splice site. In summary, the available evidence is currently insufficient to determine the role of this variant in disease. Therefore, it has been classified as a Variant of Uncertain Significance.

Literature cited by the submitters: PubMed 17576681; PubMed 9536098.

NM_000202.8(IDS):c.240+3A>G

Gene: IDS (iduronate 2-sulfatase; minus strand). Cytogenetic location: Xq28.
Variant type: single nucleotide variant.
Coding change: c.240+3A>G on transcript NM_000202.8 (MANE Select); 3 bases into the intron after coding-DNA position 240, A replaced by G.
Molecular consequence: intron variant.
Genome position (GRCh38, 1-based): chrX:149,504,154, T>C on the plus strand (A>G on the coding strand, the complement: IDS is on the minus strand). VCF-style: chrX-149504154-T-C. GRCh37 (hg19) VCF-style: chrX-148585684-T-C.
Other names: c.14+3A>G (NM_001166550.4); c.240+3A>G (NM_006123.5).
Identifiers: ClinVar variation 1492063 (VCV001492063.3), dbSNP rs2124065632, ClinGen allele CA2573159289.